The following is an entry in ClinVar:

NM_001368882.1(COL13A1):c.971C>T (p.Ala324Val)

Gene: COL13A1 (collagen type XIII alpha 1 chain; plus strand). Cytogenetic location: 10q22.1.
Variant type: single nucleotide variant.
Coding change: c.971C>T on transcript NM_001368882.1 (MANE Select); coding-DNA position 971, C replaced by T.
Protein change: p.Ala324Val; replaces alanine 324 with valine.
Molecular consequence: missense variant.
Genome position (GRCh38, 1-based): chr10:69,918,289, C>T. VCF-style: chr10-69918289-C-T. GRCh37 (hg19) VCF-style: chr10-71678045-C-T.
Other names: c.1001C>T, p.Ala334Val (NM_001130103.2); c.971C>T, p.Ala324Val (NM_001320951.2, NM_001368884.1); c.935C>T, p.Ala312Val (NM_001368883.1, NM_001368885.1, NM_080801.4 and 1 more transcripts); c.371C>T, p.Ala124Val (NM_001368886.1); c.881C>T, p.Ala294Val (NM_001368895.1); c.830C>T, p.Ala277Val (NM_001368896.1, NM_001368898.1, NM_080798.4); c.857C>T, p.Ala286Val (NM_001368897.1); c.944C>T, p.Ala315Val (NM_080800.4); and 2 more; short protein forms A124V, A286V, A315V, A324V, A334V, A277V, A294V, A283V.
Identifiers: ClinVar variation 1352803 (VCV001352803.4), dbSNP rs191741850, ClinGen allele CA5534546.
Genomic context (GRCh38, chr10:69,918,289, plus strand): 5'-CTGCTGCCCCCTCGCTGCAGAATGTCTTCAGACCTTTTTTTTTCTCTCTCTGCCAGGGGG[C>T]GCCCGGAATTGCCGTGGCTGGGATGAAGGTCAGTGGACTGTTGTAACCAACACATCAGGG-3'
Protein context (NP_001355811.1, residues 314-334): GMPGKHGAKG[Ala324Val]PGIAVAGMKG

ClinVar aggregate classification (germline): Uncertain significance. Review status: criteria provided, multiple submitters, no conflicts (2 of 4 stars). 2 submissions from 2 submitters: Uncertain significance (2). Last evaluated 2025-09-25.

Conditions:
Inborn genetic diseases. Identifiers: MedGen C0950123, MeSH D030342.

Allele frequency attached by ClinVar (database versions not stated): ExAC 0.00005; 1000 Genomes Project 0.00080; gnomAD 0.00004 and 0.00009; 1000 Genomes Project 30x 0.00125.
gnomAD v4.1: 49 of 1,612,612 alleles (0.003%); highest among the groups gnomAD compares: Admixed American, 0.033%; no homozygotes.

Submissions (2):

Ambry Genetics
Classification: Uncertain significance for Inborn genetic diseases. Last evaluated: 2025-09-25. Review status: criteria provided, single submitter. Criteria: Ambry Variant Classification Scheme 2023. Collection method: clinical testing. Allele origin: germline.

Labcorp Genetics (formerly Invitae), Labcorp
Classification: Uncertain significance. Last evaluated: 2022-10-17. Review status: criteria provided, single submitter. Criteria: Invitae Variant Classification Sherloc (09022015). Collection method: clinical testing. Allele origin: germline.
Comment: This sequence change replaces alanine, which is neutral and non-polar, with valine, which is neutral and non-polar, at codon 334 of the COL13A1 protein (p.Ala334Val). This variant is present in population databases (rs191741850, gnomAD 0.02%). This variant has not been reported in the literature in individuals affected with COL13A1-related conditions. ClinVar contains an entry for this variant (Variation ID: 1352803). Algorithms developed to predict the effect of missense changes on protein structure and function (SIFT, PolyPhen-2, Align-GVGD) all suggest that this variant is likely to be tolerated. In summary, the available evidence is currently insufficient to determine the role of this variant in disease. Therefore, it has been classified as a Variant of Uncertain Significance.